The following is an entry in ClinVar:

NM_001378183.1(PIEZO2):c.6207C>T (p.Ser2069=)

Gene: PIEZO2 (piezo type mechanosensitive ion channel component 2; minus strand). Cytogenetic location: 18p11.22.
Variant type: single nucleotide variant.
Coding change: c.6207C>T on transcript NM_001378183.1 (MANE Select); coding-DNA position 6207, C replaced by T.
Protein change: p.Ser2069=; no amino-acid change (serine 2069 retained).
Molecular consequence: synonymous variant.
Genome position (GRCh38, 1-based): chr18:10,704,445, G>A on the plus strand (C>T on the coding strand, the complement: PIEZO2 is on the minus strand). VCF-style: chr18-10704445-G-A. GRCh37 (hg19) VCF-style: chr18-10704443-G-A.
Other names: c.5868C>T, p.Ser1956= (NM_022068.4).
Identifiers: ClinVar variation 735064 (VCV000735064.26), dbSNP rs776951650, ClinGen allele CA8892265.

ClinVar aggregate classification (germline): Likely benign. Review status: criteria provided, multiple submitters, no conflicts (2 of 4 stars). 2 submissions from 2 submitters: Likely benign (2). Last evaluated 2026-05-01.

Allele frequency attached by ClinVar (database versions not stated): TOPMed 0.00008; ExAC 0.00017; gnomAD exomes 0.00025.
gnomAD v4.1: 147 of 1,537,204 alleles (0.0096%); highest among the groups gnomAD compares: Admixed American, 0.057%; 1 homozygote.

Submissions (2):

CeGaT Center for Human Genetics Tuebingen
Classification: Likely benign. Last evaluated: 2026-05-01. Review status: criteria provided, single submitter. Criteria: CeGaT Center For Human Genetics Tuebingen Variant Classification Criteria Version 2. Collection method: clinical testing. Allele origin: germline. Affected: yes. Observed: 2 variant alleles.
Comment: PIEZO2: BP4, BP7

Labcorp Genetics (formerly Invitae), Labcorp
Classification: Likely benign. Last evaluated: 2024-12-12. Review status: criteria provided, single submitter. Criteria: Invitae Variant Classification Sherloc (09022015). Collection method: clinical testing. Allele origin: germline.